The following continues an entry in ClinVar:

NM_007294.4(BRCA1):c.2296_2297del (p.Glu765_Ser766insTer)

Gene: BRCA1. ClinVar aggregate classification (germline): Pathogenic. Pathogenic (1).

Submissions 9 to 18 of 18:

Ambry Genetics
Classification: Pathogenic for Hereditary cancer-predisposing syndrome. Last evaluated: 2022-12-12. Review status: criteria provided, single submitter. Criteria: Ambry Variant Classification Scheme 2023. Collection method: clinical testing. Allele origin: germline. Not counted in ClinVar's aggregate classification.
Comment: The c.2296_2297delAG pathogenic mutation, located in coding exon 9 of the BRCA1 gene, results from a deletion of two nucleotides at nucleotide positions 2296 to 2297, causing a translational frameshift with a predicted alternate stop codon (p.S766*). This alteration has been previously identified in several breast and/or ovarian cancer kindreds (Friedman LS et al. Nat. Genet. 1994 Dec;8(4):399-404; Weitzel JN et al. Cancer Epidemiol. Biomarkers Prev. 2005 Jul;14(7):1666-71; Golmard L et al. Oncogene 2016 Mar;35(10):1324-7; Azzollini J et al. Eur. J. Intern. Med. 2016 Jul;32:65-71; Singh J et al. Breast Cancer Res. Treat. 2018 Jul;170(1):189-196). Of note, this alteration is also designated as 2415delAG in some published literature. In addition to the clinical data presented in the literature, this alteration is expected to result in loss of function by premature protein truncation or nonsense-mediated mRNA decay. As such, this alteration is interpreted as a disease-causing mutation.

Quest Diagnostics Nichols Institute San Juan Capistrano
Classification: Pathogenic. Last evaluated: 2022-11-28. Review status: criteria provided, single submitter. Criteria: Quest Diagnostics criteria. Collection method: clinical testing. Allele origin: unknown. Not counted in ClinVar's aggregate classification.
Comment: This nonsense variant causes the premature termination of BRCA1 protein synthesis. The frequency of this variant in the general population, 0.000004 (1/251084 chromosomes), is consistent with pathogenicity. In the published literature, the variant has been reported in individuals diagnosed with hereditary breast and/or ovarian cancer (PMID: 7894493 (1994), 16030099 (2005), 18821011 (2006), 22798144 (2012), 26028024 (2016), 27062684 (2016), 29470806 (2018), 32438681 (2020), 33471991 (2021), 34413315 (2021)). The variant has also been reported in unaffected individuals (PMID: 31447099 (2019), 33471991 (2021)). Based on the available information, this variant is classified as pathogenic.

Baylor Genetics
Classification: Pathogenic for Breast-ovarian cancer, familial, susceptibility to, 1. Last evaluated: 2021-11-24. Review status: criteria provided, single submitter. Criteria: ACMG Guidelines, 2015. Collection method: clinical testing. Allele origin: unknown. Not counted in ClinVar's aggregate classification.

Laboratory for Molecular Medicine, Mass General Brigham Personalized Medicine
Classification: Pathogenic for Hereditary breast ovarian cancer syndrome. Last evaluated: 2020-06-19. Review status: criteria provided, single submitter. Criteria: ACMG Guidelines, 2015. Collection method: clinical testing. Allele origin: germline. Not counted in ClinVar's aggregate classification.
Comment: The p.Ser766X variant in BRCA1 has been reported in 18 individuals with BRCA1-related cancers (Friedman 1994 PMID: 7894493; Weitzel 2005 PMID: 16030099; Azzollini 2016 PMID: 27062684; Rebbeck 2018 PMID: 29446198; Singh 2018 PMID: 29470806; Fernandez-Lopez 2019 PMID: 30630528). It has also been identified in 0.003% (1/34580) of Latino chromosomes by gnomAD. This variant was classified as pathogenic on 09/08/16 by the ClinGen-approved ENIGMA expert panel (Variation ID 17666). This variant is predicted to cause a frameshift, which alters the protein’s amino acid sequence beginning at position 766 and leads directly to a premature termination codon. This alteration is then predicted to lead to a truncated or absent protein. Loss of function of the BRCA1 gene is an established disease mechanism in autosomal dominant hereditary breast and ovarian cancer (HBOC). In summary, this variant meets criteria to be classified as pathogenic for autosomal dominant HBOC. ACMG/AMP Criteria applied: PVS1, PM2, PS4.

CHEO Genetics Diagnostic Laboratory, Children's Hospital of Eastern Ontario
Classification: Pathogenic for Breast and/or ovarian cancer. Last evaluated: 2020-02-25. Review status: criteria provided, single submitter. Criteria: ACMG Guidelines, 2015. Collection method: clinical testing. Allele origin: germline. Not counted in ClinVar's aggregate classification.

Consortium of Investigators of Modifiers of BRCA1/2 (CIMBA), c/o University of Cambridge
Classification: Pathogenic for Breast-ovarian cancer, familial, susceptibility to, 1. Last evaluated: 2015-10-02. Review status: criteria provided, single submitter. Criteria: CIMBA Mutation Classification guidelines May 2016. Collection method: clinical testing. Allele origin: germline. Not counted in ClinVar's aggregate classification.

Research Molecular Genetics Laboratory, Women's College Hospital, University of Toronto
Classification: Pathogenic for Hereditary breast ovarian cancer syndrome. Last evaluated: 2014-01-31. Review status: no assertion criteria provided. Collection method: research. Allele origin: germline. Affected: yes. Study: The Canadian Open Genetics Repository (COGR). Not counted in ClinVar's aggregate classification.

Sharing Clinical Reports Project (SCRP)
Classification: Pathogenic for Breast-ovarian cancer, familial 1. Last evaluated: 2008-07-23. Review status: no assertion criteria provided. Collection method: clinical testing. Allele origin: germline. Not counted in ClinVar's aggregate classification.

Breast Cancer Information Core (BIC) (BRCA1)
Classification: Pathogenic for Breast-ovarian cancer, familial 1. Last evaluated: 2002-05-29. Review status: no assertion criteria provided. Collection method: clinical testing. Allele origin: germline. Affected: yes. Observed: 3 variant alleles. Not counted in ClinVar's aggregate classification.

OMIM
Classification: Pathogenic for BREAST-OVARIAN CANCER, FAMILIAL, SUSCEPTIBILITY TO, 1. Last evaluated: 1994-12-01. Review status: no assertion criteria provided. Collection method: literature only. Allele origin: germline. Not counted in ClinVar's aggregate classification.

Literature cited by the submitters: PubMed 20104584 (cited by Labcorp Genetics (formerly Invitae), Labcorp); PubMed 7894493 (cited by 7 submitters); PubMed 18821011 (cited by 4 submitters); PubMed 22798144 (cited by 4 submitters); PubMed 25863477 (cited by 4 submitters); PubMed 26028024 (cited by 5 submitters); PubMed 8533757 (cited by All of Us Research Program, National Institutes of Health and Color Diagnostics, LLC DBA Color Health); PubMed 16030099 (cited by 5 submitters); PubMed 29446198 (cited by 4 submitters); PubMed 32438681 (cited by 3 submitters); PubMed 33471991 (cited by 3 submitters); PubMed 34072659 (cited by All of Us Research Program, National Institutes of Health and Color Diagnostics, LLC DBA Color Health); PubMed 27062684 (cited by 3 submitters); PubMed 29470806 (cited by 3 submitters); PubMed 30630528 (cited by Quest Diagnostics Nichols Institute San Juan Capistrano and Laboratory for Molecular Medicine, Mass General Brigham Personalized Medicine); PubMed 34413315 (cited by Quest Diagnostics Nichols Institute San Juan Capistrano); PubMed 29922827 (cited by Quest Diagnostics Nichols Institute San Juan Capistrano); PubMed 31447099 (cited by Quest Diagnostics Nichols Institute San Juan Capistrano).